The following is an entry in ClinVar:

ClinVar aggregate classification (germline): Uncertain significance (1 of 4 stars; one submission).

Submission:

Labcorp Genetics (formerly Invitae), Labcorp
Classification: Uncertain significance. Last evaluated: 2025-08-07. Review status: criteria provided, single submitter. Criteria: Invitae Variant Classification Sherloc (09022015). Collection method: clinical testing. Allele origin: germline.
Comment: This sequence change replaces leucine, which is neutral and non-polar, with proline, which is neutral and non-polar, at codon 100 of the XRCC2 protein (p.Leu100Pro). This variant is not present in population databases (gnomAD no frequency). This variant has not been reported in the literature in individuals affected with XRCC2-related conditions. ClinVar contains an entry for this variant (Variation ID: 1719693). Invitae Evidence Modeling of protein sequence and biophysical properties (such as structural, functional, and spatial information, amino acid conservation, physicochemical variation, residue mobility, and thermodynamic stability) has been performed for this missense variant. However, the output from this modeling did not meet the statistical confidence thresholds required to predict the impact of this variant on XRCC2 protein function. In summary, the available evidence is currently insufficient to determine the role of this variant in disease. Therefore, it has been classified as a Variant of Uncertain Significance.

NM_005431.2(XRCC2):c.299T>C (p.Leu100Pro)

Gene: XRCC2 (X-ray repair cross complementing 2; minus strand). Cytogenetic location: 7q36.1.
Variant type: single nucleotide variant.
Coding change: c.299T>C on transcript NM_005431.2 (MANE Select); coding-DNA position 299, T replaced by C.
Protein change: p.Leu100Pro; replaces leucine 100 with proline.
Molecular consequence: missense variant.
Genome position (GRCh38, 1-based): chr7:152,649,186, A>G on the plus strand (T>C on the coding strand, the complement: XRCC2 is on the minus strand). VCF-style: chr7-152649186-A-G. GRCh37 (hg19) VCF-style: chr7-152346271-A-G.
Other names: short protein forms L100P.
Identifiers: ClinVar variation 1719693 (VCV001719693.5), dbSNP rs768727548, ClinGen allele CA370199007.